The following is an entry in ClinVar:

NM_001018005.2(TPM1):c.581A>G (p.Glu194Gly)

Gene: TPM1 (tropomyosin 1; plus strand). Cytogenetic location: 15q22.2.
Variant type: single nucleotide variant.
Coding change: c.581A>G on transcript NM_001018005.2 (MANE Select); coding-DNA position 581, A replaced by G.
Protein change: p.Glu194Gly; replaces glutamic acid 194 with glycine.
Molecular consequence: missense variant. On other transcripts: non-coding transcript variant (16), intron variant (21).
Genome position (GRCh38, 1-based): chr15:63,061,730, A>G. VCF-style: chr15-63061730-A-G. GRCh37 (hg19) VCF-style: chr15-63353929-A-G.
Other names: c.581A>G, p.Glu194Gly (NM_001018004.2, NM_001018007.2, NM_001301244.2 and 7 more transcripts); c.473A>G, p.Glu158Gly (NM_001018008.2, NM_001301289.2, NM_001330346.2 and 3 more transcripts); c.707A>G, p.Glu236Gly (NM_001365778.1, NM_001407324.1); c.639+457A>G (NM_001407336.1, NM_001018020.2, NM_001407326.1 and 10 more transcripts); c.765+457A>G (NM_001407323.1, NM_001407322.1); c.531+457A>G (NM_001330351.2, NM_001330344.2, NM_001365781.2 and 3 more transcripts); short protein forms E158G, E194G, E236G.
Identifiers: ClinVar variation 3073702 (VCV003073702.1), dbSNP rs2542829528, ClinGen allele CA392724091.

ClinVar aggregate classification (germline): Uncertain significance (1 of 4 stars; one submission).

Conditions:
Hypertrophic cardiomyopathy. Also called: HYPERTROPHIC MYOCARDIOPATHY. Identifiers: Orphanet 217569, MedGen C0007194, MeSH D002312, MONDO:0005045, HP:0001639.

Submission:

All of Us Research Program, National Institutes of Health
Classification: Uncertain significance for Hypertrophic cardiomyopathy. Last evaluated: 2023-10-06. Review status: criteria provided, single submitter. Criteria: ACMG Guidelines, 2015. Collection method: clinical testing. Allele origin: germline. Inheritance: Autosomal dominant inheritance. Observed: 1 variant allele, 1 heterozygote.
Comment: This missense variant replaces glutamic acid with glycine at codon 194 of the TPM1 protein. Computational prediction suggests that this variant may have deleterious impact on protein structure and function (internally defined REVEL score threshold >= 0.7, PMID: 27666373). To our knowledge, functional studies have not been reported for this variant. This variant has not been reported in individuals affected with TPM1-related disorders in the literature. This variant has not been identified in the general population by the Genome Aggregation Database (gnomAD). The available evidence is insufficient to determine the role of this variant in disease conclusively. Therefore, this variant is classified as a Variant of Uncertain Significance.

This study involves interpretation of variants in research participants for the purpose of population health screening. Participant phenotype was not available at the time of variant classification. Additional details can be found in publication PMID: 35346344, PMCID: PMC8962531